The following is an entry in ClinVar:

ClinVar aggregate classification (germline): Conflicting classifications of pathogenicity. Review status: criteria provided, conflicting classifications (1 of 4 stars). 21 submissions from 21 submitters: Uncertain significance (16); Benign (1); Likely benign (2). 2 of the submissions do not count toward it. Last evaluated 2026-01-20.

Conditions:
PMS2-related disorder. Also called: PMS2-related condition.
Lynch syndrome 4 (LYNCH4). Also called: Hereditary non-polyposis colorectal cancer, type 4; Colorectal cancer, hereditary nonpolyposis, type 4. Identifiers: Orphanet 144, MedGen C1838333, MONDO:0013699, OMIM 614337. Disease mechanism: loss of function.
Mismatch repair cancer syndrome 4. Identifiers: MedGen C5436817, MONDO:0030843, OMIM 619101.
Hereditary nonpolyposis colorectal neoplasms. Identifiers: MedGen C0009405, MeSH D003123.
Breast and/or ovarian cancer. Identifiers: MedGen CN221562.
Hereditary cancer-predisposing syndrome. Also called: Tumor predisposition; Neoplastic Syndromes, Hereditary; Hereditary Cancer Syndrome; Hereditary neoplastic syndrome. Identifiers: Orphanet 140162, MedGen C0027672, MeSH D009386, MONDO:0015356.
Lynch syndrome. Identifiers: Orphanet 144, MedGen C4552100, MONDO:0005835. Disease mechanism: loss of function.

Allele frequency attached by ClinVar (database versions not stated): ExAC 0.00002; gnomAD exomes 0.00002; TOPMed 0.00002; gnomAD 0.00005 and 0.00006; ESP Exome Variant Server 0.00015; 1000 Genomes Project 30x 0.00016; 1000 Genomes Project 0.00020.
gnomAD v4.1: 38 of 1,602,730 alleles (0.0024%); highest among the groups gnomAD compares: African/African-American, 0.017%; no homozygotes.

Submissions 1 to 11 of 21:

Labcorp Genetics (formerly Invitae), Labcorp
Classification: Benign for Hereditary nonpolyposis colorectal neoplasms. Last evaluated: 2026-01-20. Review status: criteria provided, single submitter. Criteria: Invitae Variant Classification Sherloc (09022015). Collection method: clinical testing. Allele origin: germline.

Women's Health and Genetics/Laboratory Corporation of America, LabCorp
Classification: Uncertain significance. Last evaluated: 2025-10-29. Review status: criteria provided, single submitter. Criteria: LabCorp Variant Classification Summary - May 2015. Collection method: clinical testing. Allele origin: germline.
Comment: Variant summary: PMS2 c.944G>A (p.Arg315Gln) results in a conservative amino acid change located in the DNA mismatch repair protein, S5 domain 2-like of the encoded protein sequence. Algorithms developed to predict the effect of missense changes on protein structure and function are either unavailable or do not agree on the potential impact of this missense change. The variant allele was found at a frequency of 2e-05 in 251260 control chromosomes. The available data on variant occurrences in the general population are insufficient to allow any conclusion about variant significance. c.944G>A has been observed in individuals with breast cancer and one of them also carried a pathogenic (CHEK2 c.1283C>T, p.Ser428Phe) variant (Maxwell_2014, Nikitin_2020), as well as in a patient with ovarian cancer (Shirts_2016). This variant was also observed in a healthy individual (AlHarbi_2023). These report(s) do not provide unequivocal conclusions about association of the variant with Hereditary Nonpolyposis Colorectal Cancer. To our knowledge, no experimental evidence demonstrating an impact on protein function has been reported. The following publications have been ascertained in the context of this evaluation (PMID: 37306523, 25503501, 32547938, 26845104). ClinVar contains an entry for this variant (Variation ID: 184092). Based on the evidence outlined above, the variant was classified as uncertain significance.

Myriad Genetics, Inc.
Classification: Likely benign for Lynch syndrome 4. Last evaluated: 2025-09-29. Review status: criteria provided, single submitter. Criteria: Myriad Autosomal Dominant, Autosomal Recessive and X-Linked Classification Criteria (2023). Collection method: clinical testing. Allele origin: unknown.
Comment: This variant is considered likely benign. Homozygosity for this variant has been confirmed in one or more individuals lacking clinical features consistent with gene-specific recessive disease, indicating that this variant is unlikely to be pathogenic.

CeGaT Center for Human Genetics Tuebingen
Classification: Uncertain significance. Last evaluated: 2025-04-01. Review status: criteria provided, single submitter. Criteria: CeGaT Center For Human Genetics Tuebingen Variant Classification Criteria Version 2. Collection method: clinical testing. Allele origin: germline. Affected: yes. Observed: 1 variant allele.

Center for Genomic Medicine, Rigshospitalet, Copenhagen University Hospital
Classification: Uncertain significance. Last evaluated: 2025-03-04. Review status: criteria provided, single submitter. Criteria: ACMG Guidelines, 2015. Collection method: clinical testing. Allele origin: germline.

Institute for Biomarker Research, Medical Diagnostic Laboratories, L.L.C.
Classification: Uncertain significance for Hereditary cancer-predisposing syndrome. Last evaluated: 2024-11-20. Review status: criteria provided, single submitter. Criteria: ACMG Guidelines, 2015. Collection method: clinical testing. Allele origin: germline.
Comment: The p.Arg315Gln missense variant is predicted to be damaging by both SIFT and PolyPhen2. The arginine residue at codon 315 of PMS2 is conserved in all mammalian species. The nucleotide c.944 in PMS2 is predicted conserved by GERP++ and PhyloP across 100 vertebrates. For these reasons, this variant has been classified as Uncertain Significance.

Blueprint Genetics
Classification: Uncertain significance. Last evaluated: 2024-11-13. Review status: criteria provided, single submitter. Criteria: ACMG Guidelines, 2015. Collection method: clinical testing. Allele origin: germline.

All of Us Research Program, National Institutes of Health
Classification: Uncertain significance for Lynch syndrome. Last evaluated: 2024-09-23. Review status: criteria provided, single submitter. Criteria: ACMG Guidelines, 2015. Collection method: clinical testing. Allele origin: germline. Inheritance: Autosomal dominant inheritance. Observed: 11 variant alleles, 11 heterozygotes.
Comment: This missense variant replaces arginine with glutamine at codon 315 of the PMS2 protein. Computational prediction is inconclusive regarding the impact of this variant on protein structure and function (internally defined REVEL score threshold 0.5 < inconclusive < 0.7, PMID: 27666373). To our knowledge, functional studies have not been reported for this variant. This variant has been reported in an individual affected with sarcoma (PMID: 27498913) and an individual affected with early-onset breast cancer who also has a pathogenic CHEK2 mutation (PMID: 25503501). In a large breast cancer case-control study, this variant has been reported in one breast cancer case and two healthy control individuals (PMID: 33471991). This variant also has been reported in an unaffected individual with a family history of ovarian cancer (PMID: 26845104) and in a pancreatic case-control study where it was detected in several unaffected individuals and absent in cancer cases (PMID: 32980694). This variant has been identified in 5/251260 chromosomes in the general population by the Genome Aggregation Database (gnomAD). The available evidence is insufficient to determine the role of this variant in disease conclusively. Therefore, this variant is classified as a Variant of Uncertain Significance.

This study involves interpretation of variants in research participants for the purpose of population health screening. Participant phenotype was not available at the time of variant classification. Additional details can be found in publication PMID: 35346344, PMCID: PMC8962531

Color Diagnostics, LLC DBA Color Health
Classification: Uncertain significance for Hereditary cancer-predisposing syndrome. Last evaluated: 2024-06-05. Review status: criteria provided, single submitter. Criteria: ACMG Guidelines, 2015. Collection method: clinical testing. Allele origin: germline.
Comment: This missense variant replaces arginine with glutamine at codon 315 of the PMS2 protein. Computational prediction is inconclusive regarding the impact of this variant on protein structure and function (internally defined REVEL score threshold 0.5 < inconclusive < 0.7, PMID: 27666373). To our knowledge, functional studies have not been reported for this variant. This variant has been reported in an individual affected with sarcoma (PMID: 27498913) and an individual affected with early-onset breast cancer who also has a pathogenic CHEK2 mutation (PMID: 25503501). In a large breast cancer case-control study, this variant has been reported in one breast cancer case and two healthy control individuals (PMID: 33471991). This variant also has been reported in an unaffected individual with a family history of ovarian cancer (PMID: 26845104) and in a pancreatic case-control study where it was detected in several unaffected individuals and absent in cancer cases (PMID: 32980694). This variant has been identified in 5/251260 chromosomes in the general population by the Genome Aggregation Database (gnomAD). The available evidence is insufficient to determine the role of this variant in disease conclusively. Therefore, this variant is classified as a Variant of Uncertain Significance.

GeneDx
Classification: Uncertain significance. Last evaluated: 2024-05-03. Review status: criteria provided, single submitter. Criteria: GeneDx Variant Classification Process June 2021. Collection method: clinical testing. Allele origin: germline. Affected: yes.
Comment: In silico analysis supports that this missense variant has a deleterious effect on protein structure/function; Identified in individuals with breast cancer, sarcoma, or a family history of ovarian cancer, but also observed in unaffected controls (PMID: 25503501, 26845104, 27498913, 32547938, 32980694, 33471991); This variant is associated with the following publications: (PMID: 25503501, 26845104, 27498913, 32547938, 32980694, 33471991, 11574484, 36243179, 37306523)

Baylor Genetics
Classification: Uncertain significance for Lynch syndrome 4. Last evaluated: 2024-02-27. Review status: criteria provided, single submitter. Criteria: ACMG Guidelines, 2015. Collection method: clinical testing. Allele origin: unknown.

NM_000535.7(PMS2):c.944G>A (p.Arg315Gln)

Gene: PMS2 (PMS1 homolog 2, mismatch repair system component; minus strand). Cytogenetic location: 7p22.1.
Variant type: single nucleotide variant.
Coding change: c.944G>A on transcript NM_000535.7 (MANE Select); coding-DNA position 944, G replaced by A.
Protein change: p.Arg315Gln; replaces arginine 315 with glutamine.
Molecular consequence: missense variant. On other transcripts: non-coding transcript variant (1).
Genome position (GRCh38, 1-based): chr7:5,992,017, C>T on the plus strand (G>A on the coding strand, the complement: PMS2 is on the minus strand). VCF-style: chr7-5992017-C-T. GRCh37 (hg19) VCF-style: chr7-6031648-C-T.
Other names: c.539G>A, p.Arg180Gln (NM_001322003.2, NM_001322004.2, NM_001322005.2 and 2 more transcripts); c.944G>A, p.Arg315Gln (NM_001322006.2, NM_001322014.2); c.626G>A, p.Arg209Gln (NM_001322007.2, NM_001322008.2); c.11G>A, p.Arg4Gln (NM_001322011.2, NM_001322012.2); c.371G>A, p.Arg124Gln (NM_001322013.2); c.635G>A, p.Arg212Gln (NM_001322015.2); short protein forms R315Q, R180Q, R212Q, R4Q, R209Q, R124Q.
Identifiers: ClinVar variation 184092 (VCV000184092.58), dbSNP rs116314131, ClinGen allele CA013345.